The following is an entry in ClinVar:

ClinVar aggregate classification (germline): Uncertain significance (1 of 4 stars; one submission).

Conditions:
Hereditary cancer-predisposing syndrome. Also called: Neoplastic Syndromes, Hereditary; Tumor predisposition; Hereditary Cancer Syndrome; Hereditary neoplastic syndrome. Identifiers: Orphanet 140162, MedGen C0027672, MeSH D009386, MONDO:0015356.

Submission:

Ambry Genetics
Classification: Uncertain significance for Hereditary cancer-predisposing syndrome. Last evaluated: 2025-06-22. Review status: criteria provided, single submitter. Criteria: Ambry Variant Classification Scheme 2023. Collection method: clinical testing. Allele origin: germline.
Comment: The p.F73L variant (also known as c.219T>G), located in coding exon 2 of the TSC2 gene, results from a T to G substitution at nucleotide position 219. The phenylalanine at codon 73 is replaced by leucine, an amino acid with highly similar properties. This amino acid position is conserved. In addition, this alteration is predicted to be tolerated by in silico analysis. Based on the available evidence, the clinical significance of this variant remains unclear.

NM_000548.5(TSC2):c.219T>G (p.Phe73Leu)

Gene: TSC2 (TSC complex subunit 2; plus strand). Cytogenetic location: 16p13.3.
Variant type: single nucleotide variant.
Coding change: c.219T>G on transcript NM_000548.5 (MANE Select); coding-DNA position 219, T replaced by G.
Protein change: p.Phe73Leu; replaces phenylalanine 73 with leucine.
Molecular consequence: missense variant. On other transcripts: 5 prime UTR variant (20), non-coding transcript variant (5).
Genome position (GRCh38, 1-based): chr16:2,050,480, T>G. VCF-style: chr16-2050480-T-G. GRCh37 (hg19) VCF-style: chr16-2100481-T-G.
Other names: c.219T>G, p.Phe73Leu (NM_001077183.3, NM_001114382.3, NM_001318827.2 and 13 more transcripts); c.72T>G, p.Phe24Leu (NM_001318829.2, NM_001406675.1, NM_001406676.1 and 2 more transcripts); c.-8T>G (NM_001318831.2, NM_001406682.1, NM_001406684.1 and 3 more transcripts); c.252T>G, p.Phe84Leu (NM_001318832.2); c.-598T>G (NM_001406680.1, NM_001406683.1, NM_001406687.1); c.-227T>G (NM_001406681.1); c.-1213T>G (NM_001406689.1, NM_001406690.1, NM_001406691.1 and 2 more transcripts); c.-1519T>G (NM_001406693.1); and 3 more; short protein forms F73L, F24L, F84L.
Identifiers: ClinVar variation 4192139 (VCV004192139.1).